The following is an entry in ClinVar:

ClinVar aggregate classification (germline): Pathogenic. Review status: criteria provided, multiple submitters, no conflicts (2 of 4 stars). 2 submissions from 2 submitters: Pathogenic (2). Last evaluated 2023-06-02.

Conditions:
Familial cancer of breast. Also called: BREAST CANCER, FAMILIAL; hereditary breast carcinoma; Hereditary breast cancer. Identifiers: Orphanet 227535, MedGen C0346153, MONDO:0016419, OMIM 114480. Disease mechanism: loss of function.
Fanconi anemia complementation group J. Also called: BRIP1-Related Fanconi Anemia. Identifiers: Orphanet 84, MedGen C1836860, MONDO:0012187, OMIM 609054.

Submissions (2):

Myriad Genetics, Inc.
Classification: Pathogenic for Familial cancer of breast. Last evaluated: 2023-06-02. Review status: criteria provided, single submitter. Criteria: Myriad Autosomal Dominant, Autosomal Recessive and X-Linked Classification Criteria (2023). Collection method: clinical testing. Allele origin: unknown.
Comment: This variant is considered pathogenic. This variant creates a frameshift predicted to result in premature protein truncation.

Labcorp Genetics (formerly Invitae), Labcorp
Classification: Pathogenic for Familial cancer of breast; Fanconi anemia complementation group J. Last evaluated: 2021-05-13. Review status: criteria provided, single submitter. Criteria: Invitae Variant Classification Sherloc (09022015). Collection method: clinical testing. Allele origin: germline.
Comment: This sequence change creates a premature translational stop signal (p.Leu537Phefs*53) in the BRIP1 gene. It is expected to result in an absent or disrupted protein product. Loss-of-function variants in BRIP1 are known to be pathogenic (PMID: 16116423, 17033622, 21964575). This variant is not present in population databases (ExAC no frequency). This variant has not been reported in the literature in individuals with BRIP1-related conditions. For these reasons, this variant has been classified as Pathogenic.

Literature cited by the submitters: PubMed 16116423 (cited by Labcorp Genetics (formerly Invitae), Labcorp); PubMed 17033622 (cited by Labcorp Genetics (formerly Invitae), Labcorp); PubMed 21964575 (cited by Labcorp Genetics (formerly Invitae), Labcorp).

NM_032043.3(BRIP1):c.1608del (p.Leu537fs)

Gene: BRIP1 (BRCA1 interacting DNA helicase 1; minus strand). Cytogenetic location: 17q23.2.
Variant type: Deletion.
Coding change: c.1608del on transcript NM_032043.3 (MANE Select); coding-DNA position 1608, one base deleted (T; older notation c.1608delT).
Protein change: p.Leu537fs; shifts the reading frame from leucine 537.
Molecular consequence: frameshift variant.
Genome position (GRCh38, 1-based): chr17:61,784,290, A deleted on the plus strand (T on the coding strand, the reverse complement: BRIP1 is on the minus strand). VCF-style (leftmost placement, unchanged base first): chr17-61784289-GA-G. GRCh37 (hg19) VCF-style: chr17-59861650-GA-G.
Other names: short protein forms L537fs.
Identifiers: ClinVar variation 1426934 (VCV001426934.8), dbSNP rs2145135618, ClinGen allele CA2573154318.